The following is an entry in ClinVar:

ClinVar aggregate classification (germline): Conflicting classifications of pathogenicity. Review status: criteria provided, conflicting classifications (1 of 4 stars). 2 submissions from 2 submitters: Uncertain significance (1); Likely benign (1). Last evaluated 2025-08-26.

Conditions:
Inborn genetic diseases. Identifiers: MedGen C0950123, MeSH D030342.

gnomAD v4.1: 34 of 1,211,534 alleles (0.0028%); highest among the groups gnomAD compares: Middle Eastern, 0.046%; no homozygotes.

Submissions (2):

Labcorp Genetics (formerly Invitae), Labcorp
Classification: Uncertain significance. Last evaluated: 2025-08-26. Review status: criteria provided, single submitter. Criteria: Invitae Variant Classification Sherloc (09022015). Collection method: clinical testing. Allele origin: germline.
Comment: This sequence change replaces arginine, which is basic and polar, with glutamine, which is neutral and polar, at codon 66 of the MBTPS2 protein (p.Arg66Gln). This variant is present in population databases (rs5951639, gnomAD 0.01%). This variant has not been reported in the literature in individuals affected with MBTPS2-related conditions. ClinVar contains an entry for this variant (Variation ID: 4052382). Invitae Evidence Modeling of protein sequence and biophysical properties (such as structural, functional, and spatial information, amino acid conservation, physicochemical variation, residue mobility, and thermodynamic stability) indicates that this missense variant is not expected to disrupt MBTPS2 protein function with a negative predictive value of 95%. In summary, the available evidence is currently insufficient to determine the role of this variant in disease. Therefore, it has been classified as a Variant of Uncertain Significance.

Ambry Genetics
Classification: Likely benign for Inborn genetic diseases. Last evaluated: 2025-05-19. Review status: criteria provided, single submitter. Criteria: Ambry Variant Classification Scheme 2023. Collection method: clinical testing. Allele origin: germline.

NM_015884.4(MBTPS2):c.197G>A (p.Arg66Gln)

Gene: MBTPS2 (membrane bound transcription factor peptidase, site 2; plus strand). Cytogenetic location: Xp22.12.
Variant type: single nucleotide variant.
Coding change: c.197G>A on transcript NM_015884.4 (MANE Select); coding-DNA position 197, G replaced by A.
Protein change: p.Arg66Gln; replaces arginine 66 with glutamine.
Molecular consequence: missense variant.
Genome position (GRCh38, 1-based): chrX:21,843,291, G>A. VCF-style: chrX-21843291-G-A. GRCh37 (hg19) VCF-style: chrX-21861409-G-A.
Other names: short protein forms R66Q.
Identifiers: ClinVar variation 4052382 (VCV004052382.2).
Genomic context (GRCh38, chrX:21,843,291, plus strand): 5'-CCCCTTTCCACATAAGATGGCAAACTGCTGTTTTCAATCGTGCCTTTTACAGTTGGGGAC[G>A]GCGGAAAGCAAGGATGCTTTACCAATGGTATTCTTCATCTTCTTTTGTTTGGTTTAGGTT-3'
Protein context (NP_056968.1, residues 56-76): VFNRAFYSWG[Arg66Gln]RKARMLYQWF